The following is an entry in ClinVar:

ClinVar aggregate classification (germline): Uncertain significance. Review status: criteria provided, multiple submitters, no conflicts (2 of 4 stars). 2 submissions from 2 submitters: Uncertain significance (2). Last evaluated 2025-03-18.

Conditions:
Inborn genetic diseases. Identifiers: MedGen C0950123, MeSH D030342.

Allele frequency attached by ClinVar (database versions not stated): gnomAD exomes below 0.00001; TOPMed below 0.00001; gnomAD 0.00001.

Submissions (2):

Ambry Genetics
Classification: Uncertain significance for Inborn genetic diseases. Last evaluated: 2025-03-18. Review status: criteria provided, single submitter. Criteria: Ambry Variant Classification Scheme 2023. Collection method: clinical testing. Allele origin: germline.
Comment: The p.I526T variant (also known as c.1577T>C), located in coding exon 7 of the MBD4 gene, results from a T to C substitution at nucleotide position 1577. The isoleucine at codon 526 is replaced by threonine, an amino acid with similar properties. This amino acid position is conserved. In addition, the in silico prediction for this alteration is inconclusive. Based on the available evidence, the clinical significance of this variant remains unclear.

Labcorp Genetics (formerly Invitae), Labcorp
Classification: Uncertain significance. Last evaluated: 2023-12-01. Review status: criteria provided, single submitter. Criteria: Invitae Variant Classification Sherloc (09022015). Collection method: clinical testing. Allele origin: germline.
Comment: This sequence change replaces isoleucine, which is neutral and non-polar, with threonine, which is neutral and polar, at codon 532 of the MBD4 protein (p.Ile532Thr). This variant is not present in population databases (gnomAD no frequency). This variant has not been reported in the literature in individuals affected with MBD4-related conditions. An algorithm developed to predict the effect of missense changes on protein structure and function (PolyPhen-2) suggests that this variant is likely to be disruptive. In summary, the available evidence is currently insufficient to determine the role of this variant in disease. Therefore, it has been classified as a Variant of Uncertain Significance.

NM_001276270.2(MBD4):c.1577T>C (p.Ile526Thr)

Gene: MBD4 (methyl-CpG binding domain 4, DNA glycosylase; minus strand). Cytogenetic location: 3q21.3.
Variant type: single nucleotide variant.
Coding change: c.1577T>C on transcript NM_001276270.2 (MANE Select); coding-DNA position 1577, T replaced by C.
Protein change: p.Ile526Thr; replaces isoleucine 526 with threonine.
Molecular consequence: missense variant.
Genome position (GRCh38, 1-based): chr3:129,432,573, A>G on the plus strand (T>C on the coding strand, the complement: MBD4 is on the minus strand). VCF-style: chr3-129432573-A-G. GRCh37 (hg19) VCF-style: chr3-129151416-A-G.
Other names: c.1595T>C, p.Ile532Thr (NM_001276271.2, NM_001276272.2, NM_003925.3); c.641T>C, p.Ile214Thr (NM_001276273.2); short protein forms I214T, I532T, I526T.
Identifiers: ClinVar variation 2700030 (VCV002700030.4), dbSNP rs1448099000, ClinGen allele CA354464990.